The following is an entry in ClinVar:

NM_013266.4(CTNNA3):c.1568T>C (p.Ile523Thr)

Gene: CTNNA3 (catenin alpha 3; minus strand). Cytogenetic location: 10q21.3.
Variant type: single nucleotide variant.
Coding change: c.1568T>C on transcript NM_013266.4 (MANE Select); coding-DNA position 1568, T replaced by C.
Protein change: p.Ile523Thr; replaces isoleucine 523 with threonine.
Molecular consequence: missense variant.
Genome position (GRCh38, 1-based): chr10:66,379,316, A>G on the plus strand (T>C on the coding strand, the complement: CTNNA3 is on the minus strand). VCF-style: chr10-66379316-A-G. GRCh37 (hg19) VCF-style: chr10-68139074-A-G.
Other names: c.1568T>C, p.Ile523Thr (NM_001127384.3); short protein forms I523T.
Identifiers: ClinVar variation 1775419 (VCV001775419.2), dbSNP rs762067610, ClinGen allele CA5519895.

ClinVar aggregate classification (germline): Uncertain significance (1 of 4 stars; one submission).

Allele frequency attached by ClinVar (database versions not stated): ExAC 0.00001; TOPMed 0.00001.
gnomAD v4.1: 6 of 1,614,110 alleles (0.00037%); highest among the groups gnomAD compares: South Asian, 0.0044%; no homozygotes.

Submission:

Ambry Genetics
Classification: Uncertain significance. Last evaluated: 2022-01-26. Review status: criteria provided, single submitter. Criteria: Ambry Variant Classification Scheme 2023. Collection method: clinical testing. Allele origin: germline.
Comment: The p.I523T variant (also known as c.1568T>C), located in coding exon 11 of the CTNNA3 gene, results from a T to C substitution at nucleotide position 1568. The isoleucine at codon 523 is replaced by threonine, an amino acid with similar properties. This amino acid position is conserved. In addition, the in silico prediction for this alteration is inconclusive. Since supporting evidence is limited at this time, the clinical significance of this alteration remains unclear.